The following is an entry in ClinVar:

ClinVar aggregate classification (germline): Conflicting classifications of pathogenicity. Review status: criteria provided, conflicting classifications (1 of 4 stars). 6 submissions from 6 submitters: Uncertain significance (3); Benign (1); Likely benign (1). 1 of the submissions does not count toward it. Last evaluated 2026-01-28.

Conditions:
SCN9A-related disorder. Also called: SCN9A-related disorders; SCN9A-related condition.
Neuropathy, hereditary sensory and autonomic, type 2A (HSAN2A). Also called: ACROOSTEOLYSIS, GIACCAI TYPE; ACROOSTEOLYSIS, NEUROGENIC; MORVAN DISEASE; NEUROPATHY, CONGENITAL SENSORY; NEUROPATHY, HEREDITARY SENSORY RADICULAR, AUTOSOMAL RECESSIVE; NEUROPATHY, HEREDITARY SENSORY, TYPE IIA. Identifiers: Orphanet 970, MedGen C2752089, MONDO:0024309, OMIM 201300.
Generalized epilepsy with febrile seizures plus, type 7 (GEFSP7). Also called: GEFS+, TYPE 7. Identifiers: Orphanet 36387, MedGen C2751778, MONDO:0013470, OMIM 613863.
Inborn genetic diseases. Identifiers: MedGen C0950123, MeSH D030342.

Allele frequency attached by ClinVar (database versions not stated): gnomAD exomes 0.00038; ExAC 0.00050; 1000 Genomes Project 0.00140; 1000 Genomes Project 30x 0.00141; ESP Exome Variant Server 0.00144; gnomAD 0.00144 and 0.00149; TOPMed 0.00166.
gnomAD v4.1: 438 of 1,596,900 alleles (0.027%); highest among the groups gnomAD compares: African/African-American, 0.52%; 1 homozygote.

Submissions (6):

Labcorp Genetics (formerly Invitae), Labcorp
Classification: Benign for Neuropathy, hereditary sensory and autonomic, type 2A; Generalized epilepsy with febrile seizures plus, type 7. Last evaluated: 2026-01-28. Review status: criteria provided, single submitter. Criteria: Invitae Variant Classification Sherloc (09022015). Collection method: clinical testing. Allele origin: germline.

GeneDx
Classification: Uncertain significance. Last evaluated: 2025-06-06. Review status: criteria provided, single submitter. Criteria: GeneDx Variant Classification Process June 2021. Collection method: clinical testing. Allele origin: germline. Affected: yes.
Comment: Reported as a variant of uncertain significance in a patient with epilepsy (PMID: 36539902); In silico analysis supports that this missense variant has a deleterious effect on protein structure/function; In silico analysis suggests this variant may impact gene splicing. In the absence of RNA/functional studies, the actual effect of this sequence change is unknown.; This variant is associated with the following publications: (PMID: 36539902)

ARUP Laboratories, Molecular Genetics and Genomics, ARUP Laboratories
Classification: Uncertain significance. Last evaluated: 2024-03-08. Review status: criteria provided, single submitter. Criteria: ARUP Molecular Germline Variant Investigation Process 2024. Collection method: clinical testing. Allele origin: germline.
Comment: The SCN9A c.3018G>C; p.Lys1006Asn variant (rs147623238), to our knowledge, is not reported in the medical literature but is reported in ClinVar (Variation ID: 246380). This variant is found in the African/African-American population with an allele frequency of 0.5% (123/23,922 alleles) in the Genome Aggregation Database (v2.1.1). Computational analyses are uncertain whether this variant is neutral or deleterious (REVEL: 0.304). While the p.Lys1006Asn variant is likely excluded as a pathogenic dominant allele, recessive effects of this variant cannot be ruled out. Therefore, the clinical significance of this variant is uncertain at this time.

Ambry Genetics
Classification: Likely benign for Inborn genetic diseases. Last evaluated: 2021-01-07. Review status: criteria provided, single submitter. Criteria: Ambry Variant Classification Scheme 2023. Collection method: clinical testing. Allele origin: germline.

Eurofins Ntd Llc (ga)
Classification: Uncertain significance. Last evaluated: 2017-07-28. Review status: criteria provided, single submitter. Criteria: EGL Classification Definitions 2015. Collection method: clinical testing. Allele origin: germline. Observed: 3 variant alleles, 3 heterozygotes.

PreventionGenetics, part of Exact Sciences
Classification: Likely benign for SCN9A-related condition. Last evaluated: 2019-07-12. Review status: no assertion criteria provided. Collection method: clinical testing. Allele origin: germline. Not counted in ClinVar's aggregate classification.
Comment: This variant is classified as likely benign based on ACMG/AMP sequence variant interpretation guidelines (Richards et al. 2015 PMID: 25741868, with internal and published modifications).

NM_001365536.1(SCN9A):c.3051G>C (p.Lys1017Asn)

Genes: SCN1A-AS1 (SCN1A and SCN9A antisense RNA 1; plus strand), SCN9A (sodium voltage-gated channel alpha subunit 9; minus strand). Cytogenetic location: 2q24.3.
Variant type: single nucleotide variant.
Coding change: c.3051G>C on transcript NM_001365536.1 (MANE Select); coding-DNA position 3051, G replaced by C.
Protein change: p.Lys1017Asn; replaces lysine 1017 with asparagine.
Molecular consequence: missense variant.
Genome position (GRCh38, 1-based): chr2:166,272,699, C>G on the plus strand (G>C on the coding strand, the complement: SCN9A is on the minus strand). VCF-style: chr2-166272699-C-G. GRCh37 (hg19) VCF-style: chr2-167129209-C-G.
Other names: c.3018G>C, p.Lys1006Asn (NM_002977.4); short protein forms K1006N, K1017N.
Identifiers: ClinVar variation 246380 (VCV000246380.23), dbSNP rs147623238, ClinGen allele CA1944146.
Genomic context (GRCh38, chr2:166,272,699, plus strand): 5'-ATAGTTTTCCTTCTTAGTATTCAGATCTTCTGCTTGTCTTATCTCCCTGGAAATCTTTGG[C>G]TTTTTGGAAAATGCTTTTAGAATAAATTCACGTAAGGTTTGTTTCACATAATTTATTCCC-3'
Protein context (NP_001352465.1, residues 1007-1027): REFILKAFSK[Lys1017Asn]PKISREIRQA